The following is an entry in ClinVar:

ClinVar aggregate classification (germline): Uncertain significance (1 of 4 stars; one submission).

Conditions:
Peroxisome biogenesis disorder 11A (Zellweger). Also called: Peroxisome biogenesis disorder 11A. Identifiers: Orphanet 912, MedGen C3554000, MONDO:0013949, OMIM 614883.

Allele frequency attached by ClinVar (database versions not stated): gnomAD 0.00001; gnomAD exomes 0.00001; TOPMed 0.00002.
gnomAD v4.1: 13 of 1,550,412 alleles (0.00084%); highest among the groups gnomAD compares: African/African-American, 0.0014%; no homozygotes.

Submission:

Labcorp Genetics (formerly Invitae), Labcorp
Classification: Uncertain significance for Peroxisome biogenesis disorder 11A (Zellweger). Last evaluated: 2022-07-26. Review status: criteria provided, single submitter. Criteria: Invitae Variant Classification Sherloc (09022015). Collection method: clinical testing. Allele origin: germline.
Comment: The frequency data for this variant in the population databases is considered unreliable, as metrics indicate poor data quality at this position in the gnomAD database. This variant has not been reported in the literature in individuals affected with PEX13-related conditions. ClinVar contains an entry for this variant (Variation ID: 960337). Algorithms developed to predict the effect of missense changes on protein structure and function are either unavailable or do not agree on the potential impact of this missense change (SIFT: "Deleterious"; PolyPhen-2: "Possibly Damaging"; Align-GVGD: "Class C15"). In summary, the available evidence is currently insufficient to determine the role of this variant in disease. Therefore, it has been classified as a Variant of Uncertain Significance. This sequence change replaces arginine, which is basic and polar, with cysteine, which is neutral and slightly polar, at codon 15 of the PEX13 protein (p.Arg15Cys).

NM_002618.4(PEX13):c.43C>T (p.Arg15Cys)

Genes: PEX13 (peroxisomal biogenesis factor 13; plus strand), PUS10 (pseudouridine synthase 10; minus strand). Cytogenetic location: 2p15.
Variant type: single nucleotide variant.
Coding change: c.43C>T on transcript NM_002618.4 (MANE Select); coding-DNA position 43, C replaced by T.
Protein change: p.Arg15Cys; replaces arginine 15 with cysteine.
Molecular consequence: missense variant. On other transcripts: intron variant (2).
Genome position (GRCh38, 1-based): chr2:61,017,802, C>T. VCF-style: chr2-61017802-C-T. GRCh37 (hg19) VCF-style: chr2-61244937-C-T.
Other names: c.-16+206G>A (NM_144709.4); c.-623+206G>A (NM_001322127.1); short protein forms R15C.
Identifiers: ClinVar variation 960337 (VCV000960337.6), dbSNP rs1311634962, ClinGen allele CA346936918.